The following is an entry in ClinVar:

ClinVar aggregate classification (germline): Uncertain significance (1 of 4 stars; one submission).

Conditions:
Marfan syndrome (MFS). Also called: MARFAN SYNDROME, TYPE I; Marfan syndrome type 1; Marfan's syndrome; Marfan syndrome, classic; FBN1-Related Marfan Syndrome. Identifiers: Orphanet 284963, Orphanet 558, MedGen C0024796, MONDO:0007947, OMIM 154700.
Familial thoracic aortic aneurysm and aortic dissection (TAAD). Also called: Thoracic aortic aneurysms and dissections. Identifiers: Orphanet 91387, MedGen C4707243, MONDO:0019625.

Submission:

Labcorp Genetics (formerly Invitae), Labcorp
Classification: Uncertain significance for Marfan syndrome; Familial thoracic aortic aneurysm and aortic dissection. Last evaluated: 2024-08-05. Review status: criteria provided, single submitter. Criteria: Invitae Variant Classification Sherloc (09022015). Collection method: clinical testing. Allele origin: germline.
Comment: This sequence change replaces threonine, which is neutral and polar, with serine, which is neutral and polar, at codon 37 of the FBN1 protein (p.Thr37Ser). This variant is not present in population databases (gnomAD no frequency). This variant has not been reported in the literature in individuals affected with FBN1-related conditions. Advanced modeling of protein sequence and biophysical properties (such as structural, functional, and spatial information, amino acid conservation, physicochemical variation, residue mobility, and thermodynamic stability) performed at Invitae indicates that this missense variant is not expected to disrupt FBN1 protein function with a negative predictive value of 95%. In summary, the available evidence is currently insufficient to determine the role of this variant in disease. Therefore, it has been classified as a Variant of Uncertain Significance.

NM_000138.5(FBN1):c.110C>G (p.Thr37Ser)

Gene: FBN1 (fibrillin 1; minus strand). Cytogenetic location: 15q21.1.
Variant type: single nucleotide variant.
Coding change: c.110C>G on transcript NM_000138.5 (MANE Select); coding-DNA position 110, C replaced by G.
Protein change: p.Thr37Ser; replaces threonine 37 with serine.
Molecular consequence: missense variant.
Genome position (GRCh38, 1-based): chr15:48,644,660, G>C on the plus strand (C>G on the coding strand, the complement: FBN1 is on the minus strand). VCF-style: chr15-48644660-G-C. GRCh37 (hg19) VCF-style: chr15-48936857-G-C.
Other names: c.110C>G, p.Thr37Ser (NM_001406716.1, NM_001406717.1, NM_001406718.1); short protein forms T37S.
Identifiers: ClinVar variation 3758449 (VCV003758449.2).